The following is an entry in ClinVar:

NM_001164665.2(KIAA1549):c.931C>T (p.Pro311Ser)

Gene: KIAA1549 (KIAA1549; minus strand). Cytogenetic location: 7q34.
Variant type: single nucleotide variant.
Coding change: c.931C>T on transcript NM_001164665.2 (MANE Select); coding-DNA position 931, C replaced by T.
Protein change: p.Pro311Ser; replaces proline 311 with serine.
Molecular consequence: missense variant.
Genome position (GRCh38, 1-based): chr7:138,918,695, G>A on the plus strand (C>T on the coding strand, the complement: KIAA1549 is on the minus strand). VCF-style: chr7-138918695-G-A. GRCh37 (hg19) VCF-style: chr7-138603441-G-A.
Other names: c.931C>T (NM_001164665.1); c.931C>T, p.Pro311Ser (NM_020910.3); short protein forms P311S.
Identifiers: ClinVar variation 1150716 (VCV001150716.11), dbSNP rs80222245, ClinGen allele CA4506827.

ClinVar aggregate classification (germline): Likely benign. Review status: criteria provided, multiple submitters, no conflicts (2 of 4 stars). 3 submissions from 3 submitters: Likely benign (2). 1 of the submissions does not count toward it. Last evaluated 2025-10-05.

Conditions:
KIAA1549-related disorder. Also called: KIAA1549-related condition.

Allele frequency attached by ClinVar (database versions not stated): gnomAD exomes 0.00015; 1000 Genomes Project 0.00080; ESP Exome Variant Server 0.00090; 1000 Genomes Project 30x 0.00094.

Submissions (3):

Labcorp Genetics (formerly Invitae), Labcorp
Classification: Likely benign. Last evaluated: 2025-10-05. Review status: criteria provided, single submitter. Criteria: Invitae Variant Classification Sherloc (09022015). Collection method: clinical testing. Allele origin: germline.

Blueprint Genetics
Classification: Likely benign. Last evaluated: 2024-03-01. Review status: criteria provided, single submitter. Criteria: ACMG Guidelines, 2015. Collection method: clinical testing. Allele origin: germline.

PreventionGenetics, part of Exact Sciences
Classification: Likely benign for KIAA1549-related condition. Last evaluated: 2024-03-06. Review status: no assertion criteria provided. Collection method: clinical testing. Allele origin: germline. Not counted in ClinVar's aggregate classification.
Comment: This variant is classified as likely benign based on ACMG/AMP sequence variant interpretation guidelines (Richards et al. 2015 PMID: 25741868, with internal and published modifications).